The following is an entry in ClinVar:

NM_212550.5(BLOC1S3):c.450_473del (p.Gln150_Ala157del)

Gene: BLOC1S3 (biogenesis of lysosomal organelles complex 1 subunit 3; plus strand). Cytogenetic location: 19q13.32.
Variant type: Deletion.
Coding change: c.450_473del on transcript NM_212550.5 (MANE Select); coding-DNA positions 450 to 473, 24 bases deleted (GGCGGCGGGGCTGGCGGCGGCCCA).
Protein change: p.Gln150_Ala157del.
Molecular consequence: inframe deletion.
Genome position (GRCh38, 1-based): chr19:45,179,746-45,179,769, GGCGGCGGGGCTGGCGGCGGCCCA deleted; deleting any 24 consecutive bases within chr19:45,179,741-45,179,769 gives the same sequence; the c. name uses the placement nearest the transcript's 3' end. VCF-style (leftmost placement, unchanged base first): chr19-45179740-AGCCCAGGCGGCGGGGCTGGCGGCG-A. GRCh37 (hg19) VCF-style: chr19-45682998-AGCCCAGGCGGCGGGGCTGGCGGCG-A.
Identifiers: ClinVar variation 1383541 (VCV001383541.5), dbSNP rs1487554331, ClinGen allele CA633479550.

ClinVar aggregate classification (germline): Uncertain significance (1 of 4 stars; one submission).

Submission:

Labcorp Genetics (formerly Invitae), Labcorp
Classification: Uncertain significance. Last evaluated: 2022-06-13. Review status: criteria provided, single submitter. Criteria: Invitae Variant Classification Sherloc (09022015). Collection method: clinical testing. Allele origin: germline.
Comment: This variant, c.450_473del, results in the deletion of 8 amino acid(s) of the BLOC1S3 protein (p.Gln150_Ala157del), but otherwise preserves the integrity of the reading frame. This variant is present in population databases (no rsID available, gnomAD 0.004%). This variant has been observed in individual(s) with albinism (PMID: 29345414). Experimental studies and prediction algorithms are not available or were not evaluated, and the functional significance of this variant is currently unknown. In summary, the available evidence is currently insufficient to determine the role of this variant in disease. Therefore, it has been classified as a Variant of Uncertain Significance.

Literature cited by the submitters: PubMed 29345414.